The following is an entry in ClinVar:

NM_015602.4(TOR1AIP1):c.205G>T (p.Asp69Tyr)

Genes: TOR1AIP1 (torsin 1A interacting protein 1; plus strand), LOC112577517 (Sharpr-MPRA regulatory region 13766; plus strand). Cytogenetic location: 1q25.2.
Variant type: single nucleotide variant.
Coding change: c.205G>T on transcript NM_015602.4 (MANE Select); coding-DNA position 205, G replaced by T.
Protein change: p.Asp69Tyr; replaces aspartic acid 69 with tyrosine.
Molecular consequence: missense variant.
Genome position (GRCh38, 1-based): chr1:179,882,707, G>T. VCF-style: chr1-179882707-G-T. GRCh37 (hg19) VCF-style: chr1-179851842-G-T.
Other names: c.205G>T, p.Asp69Tyr (NM_001267578.2); short protein forms D69Y.
Identifiers: ClinVar variation 1062260 (VCV001062260.5), dbSNP rs537204281, ClinGen allele CA33712325.

ClinVar aggregate classification (germline): Uncertain significance (1 of 4 stars; one submission).

Conditions:
Autosomal recessive limb-girdle muscular dystrophy type 2Y (MRRSDC). Also called: Muscular dystrophy, autosomal recessive, with rigid spine and distal joint contractures; Muscular dystrophy, limb-girdle, type 2y. Identifiers: Orphanet 424261, MedGen C4511482, MONDO:0014900, OMIM 617072.

Allele frequency attached by ClinVar (database versions not stated): gnomAD 0.00002 and 0.00003; TOPMed 0.00003.
gnomAD v4.1: 5 of 1,612,990 alleles (0.00031%); highest among the groups gnomAD compares: African/African-American, 0.0053%; no homozygotes.

Submission:

Labcorp Genetics (formerly Invitae), Labcorp
Classification: Uncertain significance for Autosomal recessive limb-girdle muscular dystrophy type 2Y. Last evaluated: 2020-08-14. Review status: criteria provided, single submitter. Criteria: Invitae Variant Classification Sherloc (09022015). Collection method: clinical testing. Allele origin: germline.
Comment: This variant has not been reported in the literature in individuals with TOR1AIP1-related conditions. In summary, the available evidence is currently insufficient to determine the role of this variant in disease. Therefore, it has been classified as a Variant of Uncertain Significance. Algorithms developed to predict the effect of missense changes on protein structure and function are either unavailable or do not agree on the potential impact of this missense change (SIFT: "Deleterious"; PolyPhen-2: "Probably Damaging"; Align-GVGD: "Class C0"). This variant is not present in population databases (ExAC no frequency). This sequence change replaces aspartic acid with tyrosine at codon 69 of the TOR1AIP1 protein (p.Asp69Tyr). The aspartic acid residue is weakly conserved and there is a large physicochemical difference between aspartic acid and tyrosine.